The following is an entry in ClinVar:

NM_001127208.3(TET2):c.1346T>C (p.Val449Ala)

Genes: TET2 (tet methylcytosine dioxygenase 2; plus strand), TET2-AS1 (TET2 antisense RNA 1; minus strand). Cytogenetic location: 4q24.
Variant type: single nucleotide variant.
Coding change: c.1346T>C on transcript NM_001127208.3 (MANE Select); coding-DNA position 1346, T replaced by C.
Protein change: p.Val449Ala; replaces valine 449 with alanine.
Molecular consequence: missense variant.
Genome position (GRCh38, 1-based): chr4:105,235,288, T>C. VCF-style: chr4-105235288-T-C. GRCh37 (hg19) VCF-style: chr4-106156445-T-C.
Other names: c.1346T>C, p.Val449Ala (NM_017628.4); short protein forms V449A.
Identifiers: ClinVar variation 3806086 (VCV003806086.1).

ClinVar aggregate classification (germline): Uncertain significance (1 of 4 stars; one submission).

gnomAD v4.1: 9 of 1,614,008 alleles (0.00056%); highest among the groups gnomAD compares: Non-Finnish European, 0.00017%; no homozygotes.

Submission:

Ambry Genetics
Classification: Uncertain significance. Last evaluated: 2025-02-26. Review status: criteria provided, single submitter. Criteria: Ambry Variant Classification Scheme 2023. Collection method: clinical testing. Allele origin: germline.
Comment: The p.V449A variant (also known as c.1346T>C), located in coding exon 1 of the TET2 gene, results from a T to C substitution at nucleotide position 1346. The valine at codon 449 is replaced by alanine, an amino acid with similar properties. This amino acid position is conserved. In addition, this alteration is predicted to be tolerated by in silico analysis. Based on the available evidence, the clinical significance of this variant remains unclear.